The following is an entry in ClinVar:

NM_000660.7(TGFB1):c.292G>A (p.Glu98Lys)

Genes: TGFB1 (transforming growth factor beta 1; minus strand), LOC130064510 (ATAC-STARR-seq lymphoblastoid silent region 10661; plus strand). Cytogenetic location: 19q13.2.
Variant type: single nucleotide variant.
Coding change: c.292G>A on transcript NM_000660.7 (MANE Select); coding-DNA position 292, G replaced by A.
Protein change: p.Glu98Lys; replaces glutamic acid 98 with lysine.
Molecular consequence: missense variant.
Genome position (GRCh38, 1-based): chr19:41,352,753, C>T on the plus strand (G>A on the coding strand, the complement: TGFB1 is on the minus strand). VCF-style: chr19-41352753-C-T. GRCh37 (hg19) VCF-style: chr19-41858658-C-T.
Other names: short protein forms E98K.
Identifiers: ClinVar variation 2969295 (VCV002969295.3), dbSNP rs761100949, ClinGen allele CA9460148.
Genomic context (GRCh38, chr19:41,352,753, plus strand): 5'-TGTGGGTTTCCACCATTAGCACGCGGGTGACCTCCTTGGCGTAGTAGTCGGCCTCAGGCT[C>T]GGGCTCCGGTTCTGCACTCTCCCCGGCCACCCGGTCGCGGGTGCTGTTGTACAGGGCGAG-3'
Protein context (NP_000651.3, residues 88-108): VAGESAEPEP[Glu98Lys]PEADYYAKEV

ClinVar aggregate classification (germline): Uncertain significance (1 of 4 stars; one submission).

Allele frequency attached by ClinVar (database versions not stated): ExAC 0.00001.

Submission:

Labcorp Genetics (formerly Invitae), Labcorp
Classification: Uncertain significance. Last evaluated: 2023-09-09. Review status: criteria provided, single submitter. Criteria: Invitae Variant Classification Sherloc (09022015). Collection method: clinical testing. Allele origin: germline.
Comment: This sequence change replaces glutamic acid, which is acidic and polar, with lysine, which is basic and polar, at codon 98 of the TGFB1 protein (p.Glu98Lys). In summary, the available evidence is currently insufficient to determine the role of this variant in disease. Therefore, it has been classified as a Variant of Uncertain Significance. Advanced modeling of protein sequence and biophysical properties (such as structural, functional, and spatial information, amino acid conservation, physicochemical variation, residue mobility, and thermodynamic stability) performed at Invitae indicates that this missense variant is not expected to disrupt TGFB1 protein function. This variant has not been reported in the literature in individuals affected with TGFB1-related conditions. This variant is present in population databases (rs761100949, gnomAD 0.002%).